The following is an entry in ClinVar:

NM_003047.5(SLC9A1):c.1823A>G (p.Asn608Ser)

Gene: SLC9A1 (solute carrier family 9 member A1; minus strand). Cytogenetic location: 1p36.11.
Variant type: single nucleotide variant.
Coding change: c.1823A>G on transcript NM_003047.5 (MANE Select); coding-DNA position 1823, A replaced by G.
Protein change: p.Asn608Ser; replaces asparagine 608 with serine.
Molecular consequence: missense variant. On other transcripts: non-coding transcript variant (1).
Genome position (GRCh38, 1-based): chr1:27,102,128, T>C on the plus strand (A>G on the coding strand, the complement: SLC9A1 is on the minus strand). VCF-style: chr1-27102128-T-C. GRCh37 (hg19) VCF-style: chr1-27428619-T-C.
Other names: short protein forms N608S.
Identifiers: ClinVar variation 3655158 (VCV003655158.2).

ClinVar aggregate classification (germline): Uncertain significance (1 of 4 stars; one submission).

Submission:

Labcorp Genetics (formerly Invitae), Labcorp
Classification: Uncertain significance. Last evaluated: 2024-06-08. Review status: criteria provided, single submitter. Criteria: Invitae Variant Classification Sherloc (09022015). Collection method: clinical testing. Allele origin: germline.
Comment: This sequence change replaces asparagine, which is neutral and polar, with serine, which is neutral and polar, at codon 608 of the SLC9A1 protein (p.Asn608Ser). This variant is not present in population databases (gnomAD no frequency). This variant has not been reported in the literature in individuals affected with SLC9A1-related conditions. An algorithm developed to predict the effect of missense changes on protein structure and function (PolyPhen-2) suggests that this variant is likely to be tolerated. In summary, the available evidence is currently insufficient to determine the role of this variant in disease. Therefore, it has been classified as a Variant of Uncertain Significance.